The following is an entry in ClinVar:

NM_001614.5(ACTG1):c.165C>G (p.Gly55=)

Gene: ACTG1 (actin gamma 1; minus strand). Cytogenetic location: 17q25.3.
Variant type: single nucleotide variant.
Coding change: c.165C>G on transcript NM_001614.5 (MANE Select); coding-DNA position 165, C replaced by G.
Protein change: p.Gly55=; no amino-acid change (glycine 55 retained).
Molecular consequence: synonymous variant. On other transcripts: non-coding transcript variant (1).
Genome position (GRCh38, 1-based): chr17:81,512,101, G>C on the plus strand (C>G on the coding strand, the complement: ACTG1 is on the minus strand). VCF-style: chr17-81512101-G-C. GRCh37 (hg19) VCF-style: chr17-79479127-G-C.
Other names: c.165C>G, p.Gly55= (NM_001199954.3).
Identifiers: ClinVar variation 385559 (VCV000385559.8), dbSNP rs146402466, ClinGen allele CA16607533.

ClinVar aggregate classification (germline): Likely benign. Review status: criteria provided, multiple submitters, no conflicts (2 of 4 stars). 2 submissions from 2 submitters: Likely benign (2). Last evaluated 2023-08-28.

Conditions:
Autosomal dominant nonsyndromic hearing loss 20. Identifiers: Orphanet 90635, MedGen C1858172, MONDO:0011480, OMIM 604717.
Baraitser-winter syndrome 2. Identifiers: Orphanet 2995, MedGen C3281235, MONDO:0013812, OMIM 614583.

Allele frequency attached by ClinVar (database versions not stated): TOPMed 0.00002.
gnomAD v4.1: 1 of 1,613,668 alleles (0.000062%); highest among the groups gnomAD compares: Non-Finnish European, 0.000085%; no homozygotes.

Submissions (2):

Labcorp Genetics (formerly Invitae), Labcorp
Classification: Likely benign for Baraitser-winter syndrome 2; Autosomal dominant nonsyndromic hearing loss 20. Last evaluated: 2023-08-28. Review status: criteria provided, single submitter. Criteria: Invitae Variant Classification Sherloc (09022015). Collection method: clinical testing. Allele origin: germline.

GeneDx
Classification: Likely benign. Last evaluated: 2016-04-27. Review status: criteria provided, single submitter. Criteria: GeneDx Variant Classification (06012015). Collection method: clinical testing. Allele origin: germline. Affected: yes.
Comment: This variant is considered likely benign or benign based on one or more of the following criteria: it is a conservative change, it occurs at a poorly conserved position in the protein, it is predicted to be benign by multiple in silico algorithms, and/or has population frequency not consistent with disease.